The following is an entry in ClinVar:

NM_001267550.2(TTN):c.59225A>G (p.Tyr19742Cys)

Genes: TTN-AS1 (TTN antisense RNA 1; plus strand), TTN (titin; minus strand). Cytogenetic location: 2q31.2.
Variant type: single nucleotide variant.
Coding change: c.59225A>G on transcript NM_001267550.2 (MANE Select); coding-DNA position 59225, A replaced by G.
Protein change: p.Tyr19742Cys; replaces tyrosine 19742 with cysteine.
Molecular consequence: missense variant.
Genome position (GRCh38, 1-based): chr2:178,592,894, T>C on the plus strand (A>G on the coding strand, the complement: TTN is on the minus strand). VCF-style: chr2-178592894-T-C. GRCh37 (hg19) VCF-style: chr2-179457621-T-C.
Other names: c.54302A>G, p.Tyr18101Cys (NM_001256850.1); c.32030A>G, p.Tyr10677Cys (NM_003319.4); c.51521A>G, p.Tyr17174Cys (NM_133378.4); c.32405A>G, p.Tyr10802Cys (NM_133432.3); c.32606A>G, p.Tyr10869Cys (NM_133437.4); c.59225A>G (NM_001267550.1); short protein forms Y17174C, Y19742C, Y18101C, Y10677C, Y10802C, Y10869C.
Identifiers: ClinVar variation 618456 (VCV000618456.11), dbSNP rs1559607092, ClinGen allele CA349494943.

ClinVar aggregate classification (germline): Uncertain significance. Review status: criteria provided, multiple submitters, no conflicts (2 of 4 stars). 3 submissions from 3 submitters: Uncertain significance (3). Last evaluated 2026-04-14.

Allele frequency attached by ClinVar (database versions not stated): gnomAD exomes 0.00001.
gnomAD v4.1: 8 of 1,613,504 alleles (0.0005%); highest among the groups gnomAD compares: South Asian, 0.0011%; no homozygotes.

Submissions (3):

GeneDx
Classification: Uncertain significance. Last evaluated: 2026-04-14. Review status: criteria provided, single submitter. Criteria: GeneDx Variant Classification Process June 2021. Collection method: clinical testing. Allele origin: germline.
Comment: Not observed at significant frequency in large population cohorts (gnomAD); Missense variant in a gene in which most reported pathogenic variants are truncating/loss of function; Has not been previously published as pathogenic or benign to our knowledge

Revvity Omics, Revvity
Classification: Uncertain significance. Last evaluated: 2021-02-03. Review status: criteria provided, single submitter. Criteria: ACMG Guidelines, 2015. Collection method: clinical testing. Allele origin: germline.

ARUP Laboratories, Molecular Genetics and Genomics, ARUP Laboratories
Classification: Uncertain significance. Last evaluated: 2018-04-12. Review status: criteria provided, single submitter. Criteria: ARUP Molecular Germline Variant Investigation Process. Collection method: clinical testing. Allele origin: germline.
Comment: The TTN c.51521A>G; p.Tyr17174Cys variant is rare in the general population (<1% allele frequency in the Genome Aggregation Database) and has not been reported in the medical literature in association with dilated cardiomyopathy (DCM) or other TTN-related disease. The clinical relevance of rare missense variants in this gene, which are identified on average once per individual sequenced in affected populations (Herman 2012), is not well understood. While the clinical significance of such variants is considered uncertain, evidence suggests that the vast majority of missense variants do not contribute to the clinical outcome of DCM (Begay 2015). Given the available evidence, the clinical significance of the p.Tyr17174Cys variant cannot be determined with certainty.